The following is an entry in ClinVar:

NM_198904.4(GABRG2):c.769+18A>G

Gene: GABRG2 (gamma-aminobutyric acid type A receptor subunit gamma2; plus strand). Cytogenetic location: 5q34.
Variant type: single nucleotide variant.
Coding change: c.769+18A>G on transcript NM_198904.4 (MANE Select); 18 bases into the intron after coding-DNA position 769, A replaced by G.
Molecular consequence: intron variant.
Genome position (GRCh38, 1-based): chr5:162,104,044, A>G. VCF-style: chr5-162104044-A-G. GRCh37 (hg19) VCF-style: chr5-161531050-A-G.
Other names: c.769+18A>G (NM_000816.3, NM_001375344.1, NM_001375340.1 and 2 more transcripts); c.484+18A>G (NM_001375349.1); c.889+18A>G (NM_001375343.1, NM_198903.2); c.349+18A>G (NM_001375350.1, NM_001375348.1); c.760+18A>G (NM_001375339.1); c.703+18A>G (NM_001375346.1, NM_001375345.1); c.682+18A>G (NM_001375347.1).
Identifiers: ClinVar variation 377905 (VCV000377905.10), dbSNP rs2422105, ClinGen allele CA3544809.

ClinVar aggregate classification (germline): Benign/Likely benign. Review status: criteria provided, multiple submitters, no conflicts (2 of 4 stars). 3 submissions from 3 submitters: Benign (2); Likely benign (1). Last evaluated 2025-11-24.

Conditions:
Febrile seizures, familial, 8 (FEB8). Also called: CONVULSIONS, FAMILIAL FEBRILE, 8. Identifiers: Orphanet 36387, MedGen C1969810, MONDO:0011891, OMIM 607681.
EPILEPSY, CHILDHOOD ABSENCE, SUSCEPTIBILITY TO, 2 (ECA2). Identifiers: Orphanet 64280, MedGen C1843244, OMIM 607681.

Allele frequency attached by ClinVar (database versions not stated): gnomAD 0.00007; TOPMed 0.00011; ExAC 0.00015; 1000 Genomes Project 30x 0.00016; gnomAD exomes 0.00016; 1000 Genomes Project 0.00020.
gnomAD v4.1: 142 of 1,613,700 alleles (0.0088%); highest among the groups gnomAD compares: Admixed American, 0.078%; no homozygotes.

Submissions (3):

Labcorp Genetics (formerly Invitae), Labcorp
Classification: Benign for Febrile seizures, familial, 8; EPILEPSY, CHILDHOOD ABSENCE, SUSCEPTIBILITY TO, 2. Last evaluated: 2025-11-24. Review status: criteria provided, single submitter. Criteria: Invitae Variant Classification Sherloc (09022015). Collection method: clinical testing. Allele origin: germline.

Blueprint Genetics
Classification: Likely benign. Last evaluated: 2023-05-22. Review status: criteria provided, single submitter. Criteria: ACMG Guidelines, 2015. Collection method: clinical testing. Allele origin: germline.

GeneDx
Classification: Benign. Last evaluated: 2015-04-15. Review status: criteria provided, single submitter. Criteria: GeneDx Variant Classification (06012015). Collection method: clinical testing. Allele origin: germline. Affected: yes.
Comment: This variant is considered likely benign or benign based on one or more of the following criteria: it is a conservative change, it occurs at a poorly conserved position in the protein, it is predicted to be benign by multiple in silico algorithms, and/or has population frequency not consistent with disease.